The following is an entry in ClinVar:

NM_000297.4(PKD2):c.170A>G (p.Gln57Arg)

Genes: PKD2 (polycystin 2, transient receptor potential cation channel; plus strand), LOC129992813 (ATAC-STARR-seq lymphoblastoid silent region 15559; plus strand). Cytogenetic location: 4q22.1.
Variant type: single nucleotide variant.
Coding change: c.170A>G on transcript NM_000297.4 (MANE Select); coding-DNA position 170, A replaced by G.
Protein change: p.Gln57Arg; replaces glutamine 57 with arginine.
Molecular consequence: missense variant. On other transcripts: non-coding transcript variant (1).
Genome position (GRCh38, 1-based): chr4:88,007,903, A>G. VCF-style: chr4-88007903-A-G. GRCh37 (hg19) VCF-style: chr4-88929055-A-G.
Other names: c.170A>G (NM_000297.3); short protein forms Q57R.
Identifiers: ClinVar variation 1061865 (VCV001061865.13), dbSNP rs1175705856, ClinGen allele CA357625564.
Genomic context (GRCh38, chr4:88,007,903, plus strand): 5'-GCGCCAGCCTCGCCGCCCCGGGCGGCCTCTGCGAGCAGCGGGGCCTGGAGATCGAGATGC[A>G]GCGCATCCGGCAGGCGGCCGCGCGGGACCCCCCGGCCGGAGCCGCGGCCTCCCCTTCTCC-3'
Protein context (NP_000288.1, residues 47-67): CEQRGLEIEM[Gln57Arg]RIRQAAARDP

ClinVar aggregate classification (germline): Uncertain significance. Review status: criteria provided, multiple submitters, no conflicts (2 of 4 stars). 4 submissions from 4 submitters: Uncertain significance (3). 1 of the submissions does not count toward it. Last evaluated 2025-12-23.

Conditions:
Autosomal dominant polycystic kidney disease. Identifiers: Orphanet 730, MedGen C0085413, MONDO:0004691.
Inborn genetic diseases. Identifiers: MedGen C0950123, MeSH D030342.
Polycystic kidney disease 2 (PKD2). Also called: Polycystic Kidney Disease 2, Autosomal Dominant; POLYCYSTIC KIDNEY DISEASE 2 WITH OR WITHOUT POLYCYSTIC LIVER DISEASE; POLYCYSTIC KIDNEY DISEASE, ADULT, TYPE II. Identifiers: MedGen C2751306, MONDO:0013131, OMIM 613095.
PKD2-related disorder. Also called: PKD2-related condition.

Allele frequency attached by ClinVar (database versions not stated): gnomAD 0.00001; gnomAD exomes 0.00001; TOPMed 0.00002.
gnomAD v4.1: 18 of 1,421,996 alleles (0.0013%); highest among the groups gnomAD compares: Non-Finnish European, 0.0017%; no homozygotes.

Submissions (4):

Labcorp Genetics (formerly Invitae), Labcorp
Classification: Uncertain significance for Autosomal dominant polycystic kidney disease. Last evaluated: 2025-12-23. Review status: criteria provided, single submitter. Criteria: Invitae Variant Classification Sherloc (09022015). Collection method: clinical testing. Allele origin: germline.
Comment: This sequence change replaces glutamine, which is neutral and polar, with arginine, which is basic and polar, at codon 57 of the PKD2 protein (p.Gln57Arg). This variant is not present in population databases (gnomAD no frequency). This variant has not been reported in the literature in individuals affected with PKD2-related conditions. ClinVar contains an entry for this variant (Variation ID: 1061865). An algorithm developed to predict the effect of missense changes on protein structure and function (PolyPhen-2) suggests that this variant is likely to be tolerated. In summary, the available evidence is currently insufficient to determine the role of this variant in disease. Therefore, it has been classified as a Variant of Uncertain Significance.

Ambry Genetics
Classification: Uncertain significance for Inborn genetic diseases. Last evaluated: 2025-01-14. Review status: criteria provided, single submitter. Criteria: Ambry Variant Classification Scheme 2023. Collection method: clinical testing. Allele origin: germline.

Fulgent Genetics
Classification: Uncertain significance for Polycystic kidney disease 2. Last evaluated: 2024-01-02. Review status: criteria provided, single submitter. Criteria: ACMG Guidelines, 2015. Collection method: clinical testing. Allele origin: germline.

PreventionGenetics, part of Exact Sciences
Classification: Uncertain significance for PKD2-related condition. Last evaluated: 2024-03-19. Review status: no assertion criteria provided. Collection method: clinical testing. Allele origin: germline. Not counted in ClinVar's aggregate classification.
Comment: The PKD2 c.170A>G variant is predicted to result in the amino acid substitution p.Gln57Arg. To our knowledge, this variant has not been reported in the literature or in a large population database, indicating this variant is rare; however the quality of this data is questionable and should be interpreted with caution. The codon is a weakly conserved amino acid. Although we suspect this variant may be benign, at this time, the clinical significance of this variant is uncertain due to the absence of conclusive functional and genetic evidence.